The following is an entry in ClinVar:

NM_033028.5(BBS4):c.1226G>T (p.Ser409Ile)

Gene: BBS4 (Bardet-Biedl syndrome 4; plus strand). Cytogenetic location: 15q24.1.
Variant type: single nucleotide variant.
Coding change: c.1226G>T on transcript NM_033028.5 (MANE Select); coding-DNA position 1226, G replaced by T.
Protein change: p.Ser409Ile; replaces serine 409 with isoleucine.
Molecular consequence: missense variant. On other transcripts: non-coding transcript variant (2).
Genome position (GRCh38, 1-based): chr15:72,735,944, G>T. VCF-style: chr15-72735944-G-T. GRCh37 (hg19) VCF-style: chr15-73028285-G-T.
Other names: c.710G>T, p.Ser237Ile (NM_001252678.2); c.1157G>T, p.Ser386Ile (NM_001320665.2); short protein forms S386I, S237I, S409I.
Identifiers: ClinVar variation 2052095 (VCV002052095.4), dbSNP rs551265059, ClinGen allele CA393080209.

ClinVar aggregate classification (germline): Uncertain significance (1 of 4 stars; one submission).

Conditions:
Bardet-Biedl syndrome (BBS). Identifiers: Orphanet 110, MedGen C0752166, MONDO:0015229.

gnomAD v4.1: 1 of 1,614,028 alleles (0.000062%); no homozygotes.

Submission:

Labcorp Genetics (formerly Invitae), Labcorp
Classification: Uncertain significance for Bardet-Biedl syndrome. Last evaluated: 2025-03-31. Review status: criteria provided, single submitter. Criteria: Invitae Variant Classification Sherloc (09022015). Collection method: clinical testing. Allele origin: germline.
Comment: This sequence change replaces serine, which is neutral and polar, with isoleucine, which is neutral and non-polar, at codon 409 of the BBS4 protein (p.Ser409Ile). This variant is not present in population databases (gnomAD no frequency). This variant has not been reported in the literature in individuals affected with BBS4-related conditions. ClinVar contains an entry for this variant (Variation ID: 2052095). An algorithm developed to predict the effect of missense changes on protein structure and function (PolyPhen-2) suggests that this variant is likely to be tolerated. In summary, the available evidence is currently insufficient to determine the role of this variant in disease. Therefore, it has been classified as a Variant of Uncertain Significance.